The following is an entry in ClinVar:

NM_000264.5(PTCH1):c.585-3T>C

Gene: PTCH1 (patched 1; minus strand). Cytogenetic location: 9q22.32.
Variant type: single nucleotide variant.
Coding change: c.585-3T>C on transcript NM_000264.5 (MANE Select); 3 bases into the intron before coding-DNA position 585, T replaced by C.
Molecular consequence: intron variant.
Genome position (GRCh38, 1-based): chr9:95,482,206, A>G on the plus strand (T>C on the coding strand, the complement: PTCH1 is on the minus strand). VCF-style: chr9-95482206-A-G. GRCh37 (hg19) VCF-style: chr9-98244488-A-G.
Other names: c.582-3T>C (NM_001083603.3); c.387-3T>C (NM_001083602.3, NM_001354919.2); c.585-3T>C (NM_001354918.2); c.132-3T>C (NM_001083605.3, NM_001083604.3, NM_001083606.3 and 1 more transcripts).
Identifiers: ClinVar variation 2564375 (VCV002564375.2), dbSNP rs2538248131, ClinGen allele CA2580616250.
Genomic context (GRCh38, chr9:95,482,206, plus strand): 5'-ACCTGTTTCTGTGATAAGCTCTCCTGATTTGTAACACAAATGTTCCAATTTCCACTGCCT[A>G]ATAAAATGAAAAGCAGAGACAAAAATTTCTCACTGTAATAAGAAAATTAGTGCAAATTCG-3'

ClinVar aggregate classification (germline): Uncertain significance (1 of 4 stars; one submission).

Conditions:
Hereditary cancer-predisposing syndrome. Also called: Neoplastic Syndromes, Hereditary; Hereditary Cancer Syndrome; Hereditary neoplastic syndrome; Tumor predisposition. Identifiers: Orphanet 140162, MedGen C0027672, MeSH D009386, MONDO:0015356.

Submission:

Ambry Genetics
Classification: Uncertain significance for Hereditary cancer-predisposing syndrome. Last evaluated: 2023-04-27. Review status: criteria provided, single submitter. Criteria: Ambry Variant Classification Scheme 2023. Collection method: clinical testing. Allele origin: germline.
Comment: The c.585-3T>C intronic variant results from a T to C substitution 3 nucleotides upstream from coding exon 4 in the PTCH1 gene. This nucleotide position is not well conserved in available vertebrate species. In silico splice site analysis predicts that this alteration will not have any significant effect on splicing. Since supporting evidence is limited at this time, the clinical significance of this alteration remains unclear.